The following is an entry in ClinVar:

NM_206937.2(LIG4):c.2094C>G (p.Tyr698Ter)

Gene: LIG4 (DNA ligase 4; minus strand). Cytogenetic location: 13q33.3.
Variant type: single nucleotide variant.
Coding change: c.2094C>G on transcript NM_206937.2 (MANE Select); coding-DNA position 2094, C replaced by G.
Protein change: p.Tyr698Ter; replaces tyrosine 698 with a stop codon.
Molecular consequence: nonsense.
Genome position (GRCh38, 1-based): chr13:108,209,175, G>C on the plus strand (C>G on the coding strand, the complement: LIG4 is on the minus strand). VCF-style: chr13-108209175-G-C. GRCh37 (hg19) VCF-style: chr13-108861523-G-C.
Other names: c.2094C>G, p.Tyr698Ter (NM_001098268.2, NM_001352598.2, NM_001352599.2 and 6 more transcripts); c.1893C>G, p.Tyr631Ter (NM_001330595.2); c.2130C>G, p.Tyr710Ter (NM_001352604.2); short protein forms Y631*, Y698*, Y710*.
Identifiers: ClinVar variation 1343557 (VCV001343557.10), dbSNP rs373938258, ClinGen allele CA7043559.

ClinVar aggregate classification (germline): Pathogenic/Likely pathogenic. Review status: criteria provided, multiple submitters, no conflicts (2 of 4 stars). 3 submissions from 3 submitters: Pathogenic (1); Likely pathogenic (2). Last evaluated 2024-10-03.

Conditions:
LIG4-related disorder. Also called: LIG4-related disorders; LIG4-related condition. Identifiers: MedGen CN239380.
DNA ligase IV deficiency. Identifiers: Orphanet 99812, MedGen C1847827, MONDO:0011686, OMIM 606593.

Allele frequency attached by ClinVar (database versions not stated): gnomAD exomes below 0.00001 and 0.00003; ExAC 0.00001; TOPMed 0.00001; ESP Exome Variant Server 0.00008.
gnomAD v4.1: 17 of 1,614,094 alleles (0.0011%); highest among the groups gnomAD compares: Non-Finnish European, 0.0014%; no homozygotes.

Submissions (3):

Labcorp Genetics (formerly Invitae), Labcorp
Classification: Pathogenic for DNA ligase IV deficiency. Last evaluated: 2024-10-03. Review status: criteria provided, single submitter. Criteria: Invitae Variant Classification Sherloc (09022015). Collection method: clinical testing. Allele origin: germline.
Comment: This sequence change creates a premature translational stop signal (p.Tyr698*) in the LIG4 gene. While this is not anticipated to result in nonsense mediated decay, it is expected to disrupt the last 214 amino acid(s) of the LIG4 protein. This variant is present in population databases (rs373938258, gnomAD 0.0009%). This premature translational stop signal has been observed in individual(s) with LIG4-related conditions (PMID: 24123394). In at least one individual the data is consistent with being in trans (on the opposite chromosome) from a pathogenic variant. ClinVar contains an entry for this variant (Variation ID: 1343557). This variant disrupts a region of the LIG4 protein in which other variant(s) (p.Arg814*) have been determined to be pathogenic (PMID: 11779494, 16088910, 24123394, 25239263, 27063650, 27612988). This suggests that this is a clinically significant region of the protein, and that variants that disrupt it are likely to be disease-causing. For these reasons, this variant has been classified as Pathogenic.

Blueprint Genetics
Classification: Likely pathogenic for LIG4-related disorders. Last evaluated: 2023-07-25. Review status: criteria provided, single submitter. Criteria: ACMG Guidelines, 2015. Collection method: clinical testing. Allele origin: germline. Affected: yes. Observed: 4 variant alleles.

Women's Health and Genetics/Laboratory Corporation of America, LabCorp
Classification: Likely pathogenic for DNA ligase IV deficiency. Last evaluated: 2022-02-05. Review status: criteria provided, single submitter. Criteria: LabCorp Variant Classification Summary - May 2015. Collection method: clinical testing. Allele origin: germline.
Comment: Variant summary: LIG4 c.2094C>G (p.Tyr698X) results in a premature termination codon, predicted to cause a truncation of the encoded protein or absence of the protein due to nonsense mediated decay, which are commonly known mechanisms for disease. Truncations downstream of this position have not been classified as pathogenic by our laboratory but have been reported in the HGMD database with a reported phenotype of LIG4 syndrome. The variant allele was found at a frequency of 4e-06 in 251396 control chromosomes. c.2094C>G has been reported in the literature as a compound heterozygous genotype in at-least one individual affected with LIG4 Syndrome presenting with a clinical diagnosis of microcephalic primordial dwarfism (example, Murray_2014) and has been subsequently cited by others (example, Boone_2018, Luo_2021). To our knowledge, no experimental evidence demonstrating an impact on protein function has been reported. No clinical diagnostic laboratories have submitted clinical-significance assessments for this variant to ClinVar after 2014. Based on the evidence outlined above, the variant was classified as likely pathogenic.

Literature cited by the submitters: PubMed 24123394 (cited by Labcorp Genetics (formerly Invitae), Labcorp and Women's Health and Genetics/Laboratory Corporation of America, LabCorp); PubMed 11779494 (cited by Labcorp Genetics (formerly Invitae), Labcorp); PubMed 16088910 (cited by Labcorp Genetics (formerly Invitae), Labcorp); PubMed 25239263 (cited by Labcorp Genetics (formerly Invitae), Labcorp); PubMed 27063650 (cited by Labcorp Genetics (formerly Invitae), Labcorp); PubMed 27612988 (cited by Labcorp Genetics (formerly Invitae), Labcorp); PubMed 30719430 (cited by Women's Health and Genetics/Laboratory Corporation of America, LabCorp); PubMed 34630384 (cited by Women's Health and Genetics/Laboratory Corporation of America, LabCorp).